The following is an entry in ClinVar:

NM_000088.4(COL1A1):c.3658G>T (p.Asp1220Tyr)

Gene: COL1A1 (collagen type I alpha 1 chain; minus strand). Cytogenetic location: 17q21.33.
Variant type: single nucleotide variant.
Coding change: c.3658G>T on transcript NM_000088.4 (MANE Select); coding-DNA position 3658, G replaced by T.
Protein change: p.Asp1220Tyr; replaces aspartic acid 1220 with tyrosine.
Molecular consequence: missense variant.
Genome position (GRCh38, 1-based): chr17:50,186,796, C>A on the plus strand (G>T on the coding strand, the complement: COL1A1 is on the minus strand). VCF-style: chr17-50186796-C-A. GRCh37 (hg19) VCF-style: chr17-48264157-C-A.
Other names: short protein forms D1220Y.
Identifiers: ClinVar variation 3778584 (VCV003778584.7).

ClinVar aggregate classification (germline): Uncertain significance (1 of 4 stars; one submission).

Submission:

CeGaT Center for Human Genetics Tuebingen
Classification: Uncertain significance. Last evaluated: 2025-03-01. Review status: criteria provided, single submitter. Criteria: CeGaT Center For Human Genetics Tuebingen Variant Classification Criteria Version 2. Collection method: clinical testing. Allele origin: germline. Affected: yes. Observed: 1 variant allele.
Comment: COL1A1: PM2, PM1:Supporting